The following is an entry in ClinVar:

ClinVar aggregate classification (germline): Likely pathogenic (1 of 4 stars; one submission).

Conditions:
Hereditary breast ovarian cancer syndrome. Also called: BRCA1- and BRCA2-Associated Hereditary Breast and Ovarian Cancer; Hereditary breast and ovarian cancer; Hereditary breast and ovarian cancer syndrome (HBOC); Hereditary breast and/or ovarian cancer syndrome; Hereditary breast and ovarian cancer syndrome; Breast and ovarian cancer. Identifiers: Orphanet 145, MedGen C0677776, MeSH D061325, MONDO:0003582. Disease mechanism: loss of function.

Submission:

Genetics and Personalized Medicine Clinic, Tartu University Hospital
Classification: Likely pathogenic for Hereditary breast ovarian cancer syndrome. Last evaluated: 2015-01-01. Review status: criteria provided, single submitter. Criteria: ACMG Guidelines, 2015. Collection method: clinical testing. Allele origin: germline. Affected: yes. Observed: 1 variant allele.
Comment: This deletion causes a frameshift p.(Pro930Leufs*70), predicted to result in premature truncation and nonsense-mediated decay. BRCA1 loss-of-function is a well-established mechanism for hereditary breast and ovarian cancer (PVS1).

NM_007294.4(BRCA1):c.2789del (p.Pro930fs)

Gene: BRCA1 (BRCA1 DNA repair associated; minus strand). Cytogenetic location: 17q21.31.
Variant type: Deletion.
Coding change: c.2789del on transcript NM_007294.4 (MANE Select); coding-DNA position 2789, one base deleted (C; older notation c.2789delC).
Protein change: p.Pro930fs; shifts the reading frame from proline 930.
Molecular consequence: frameshift variant. On other transcripts: intron variant (137).
Genome position (GRCh38, 1-based): chr17:43,092,742, G deleted on the plus strand (C on the coding strand, the reverse complement: BRCA1 is on the minus strand); the first of 2 consecutive G bases (chr17:43,092,742-43,092,743); deleting either gives the same sequence. VCF-style (leftmost placement, unchanged base first): chr17-43092741-AG-A. GRCh37 (hg19) VCF-style: chr17-41244758-AG-A.
Other names: c.2648del, p.Pro883fs (NM_001407737.1, NM_001407738.1, NM_001407739.1 and 29 more transcripts); c.2645del, p.Pro882fs (NM_001407740.1, NM_001407741.1, NM_001407742.1 and 20 more transcripts); c.788-1710del (NM_001407982.1, NM_001407970.1, NM_001407980.1 and 17 more transcripts); c.2576del, p.Pro859fs (NM_001407899.1, NM_001407915.1, NM_001407916.1 and 9 more transcripts); c.2579del, p.Pro860fs (NM_001407900.1, NM_001407902.1, NM_001407904.1 and 13 more transcripts); c.2666del, p.Pro889fs (NM_001407919.1, NM_001407648.1, NM_001407664.1 and 19 more transcripts); c.2525del, p.Pro842fs (NM_001407920.1, NM_001407921.1, NM_001407922.1 and 9 more transcripts); c.2786del, p.Pro929fs (NM_001407613.1, NM_001407614.1, NM_001407615.1 and 22 more transcripts); and 41 more; short protein forms P634fs, P762fs, P802fs, P803fs, P818fs, P819fs, P841fs, P842fs.
Identifiers: ClinVar variation 4082398 (VCV004082398.1).